The following is an entry in ClinVar:

ClinVar aggregate classification (germline): Likely benign (1 of 4 stars; one submission).

Allele frequency attached by ClinVar (database versions not stated): gnomAD 0.00002; TOPMed 0.00004; ExAC 0.00018.
gnomAD v4.1: 42 of 1,562,998 alleles (0.0027%); highest among the groups gnomAD compares: East Asian, 0.041%; no homozygotes.

Submission:

CeGaT Center for Human Genetics Tuebingen
Classification: Likely benign. Last evaluated: 2023-03-01. Review status: criteria provided, single submitter. Criteria: CeGaT Center For Human Genetics Tuebingen Variant Classification Criteria Version 2. Collection method: clinical testing. Allele origin: germline. Affected: yes. Observed: 1 variant allele.
Comment: SBNO2: BP4, BP7

NM_014963.3(SBNO2):c.726G>A (p.Ser242=)

Gene: SBNO2 (strawberry notch homolog 2; minus strand). Cytogenetic location: 19p13.3.
Variant type: single nucleotide variant.
Coding change: c.726G>A on transcript NM_014963.3 (MANE Select); coding-DNA position 726, G replaced by A.
Protein change: p.Ser242=; no amino-acid change (serine 242 retained).
Molecular consequence: synonymous variant.
Genome position (GRCh38, 1-based): chr19:1,122,948, C>T on the plus strand (G>A on the coding strand, the complement: SBNO2 is on the minus strand). VCF-style: chr19-1122948-C-T. GRCh37 (hg19) VCF-style: chr19-1122947-C-T.
Other names: c.555G>A, p.Ser185= (NM_001100122.2).
Identifiers: ClinVar variation 2648905 (VCV002648905.24), dbSNP rs780595324, ClinGen allele CA9038912.